The following is an entry in ClinVar:

NM_000478.6(ALPL):c.187G>C (p.Gly63Arg)

Gene: ALPL (alkaline phosphatase, biomineralization associated; plus strand). Cytogenetic location: 1p36.12.
Variant type: single nucleotide variant.
Coding change: c.187G>C on transcript NM_000478.6 (MANE Select); coding-DNA position 187, G replaced by C.
Protein change: p.Gly63Arg; replaces glycine 63 with arginine.
Molecular consequence: missense variant. On other transcripts: intron variant (1).
Genome position (GRCh38, 1-based): chr1:21,561,102, G>C. VCF-style: chr1-21561102-G-C. GRCh37 (hg19) VCF-style: chr1-21887595-G-C.
Other names: c.22G>C, p.Gly8Arg (NM_001127501.4); c.187G>C, p.Gly63Arg (NM_001369803.2, NM_001369804.2, NM_001369805.2); c.66+357G>C (NM_001177520.3); short protein forms G63R, G8R.
Identifiers: ClinVar variation 4086904 (VCV004086904.1).

ClinVar aggregate classification (germline): Likely pathogenic (1 of 4 stars; one submission).

Conditions:
Hypophosphatasia. Also called: Phosphoethanol-aminuria. Identifiers: Orphanet 436, MedGen C0020630, MeSH D007014, MONDO:0018570.

Submission:

Genomenon, Inc
Classification: Likely pathogenic for Hypophosphatasia. Last evaluated: 2025-08-29. Review status: criteria provided, single submitter. Criteria: Genomenon Sequence Variant Interpretation Standards. Collection method: curation. Allele origin: germline. Affected: yes.
Comment: ALPL c.187G>C is a missense variant that changes the amino acid at residue 63 from Glycine to Arginine. This variant has been observed in at least one proband affected with hypophosphatasia (PMID:36514157;12815606). It is absent or not present at a significant frequency in gnomAD. This variant is also reported as Gly46Arg in the literature. In silico models agree that this variant is possibly or probably damaging. In conclusion, we classify ALPL p.Gly63Arg (c.187G>C) as a likely pathogenic variant.

Literature cited by the submitters: PubMed 36514157; PubMed 12815606.